The following is an entry in ClinVar:

ClinVar aggregate classification (germline): Pathogenic (1 of 4 stars; one submission).

Conditions:
Gorlin syndrome. Also called: Nevoid Basal Cell Carcinoma Syndrome; Basal cell nevus syndrome. Identifiers: Orphanet 377, MedGen C0004779, MONDO:0007187.

Submission:

Labcorp Genetics (formerly Invitae), Labcorp
Classification: Pathogenic for Gorlin syndrome. Last evaluated: 2023-11-24. Review status: criteria provided, single submitter. Criteria: Invitae Variant Classification Sherloc (09022015). Collection method: clinical testing. Allele origin: germline.
Comment: This sequence change creates a premature translational stop signal (p.Val1081Argfs*62) in the PTCH1 gene. It is expected to result in an absent or disrupted protein product. Loss-of-function variants in PTCH1 are known to be pathogenic (PMID: 16301862, 16419085). This variant is not present in population databases (gnomAD no frequency). This variant has not been reported in the literature in individuals affected with PTCH1-related conditions. For these reasons, this variant has been classified as Pathogenic.

Literature cited by the submitters: PubMed 16301862; PubMed 16419085.

NM_000264.5(PTCH1):c.3241_3245del (p.Val1081fs)

Gene: PTCH1 (patched 1; minus strand). Cytogenetic location: 9q22.32.
Variant type: Microsatellite.
Coding change: c.3241_3245del on transcript NM_000264.5 (MANE Select); coding-DNA positions 3241 to 3245, 5 bases deleted (GTGCC; older notation c.3241_3245delGTGCC).
Protein change: p.Val1081fs; shifts the reading frame from valine 1081.
Molecular consequence: frameshift variant. On other transcripts: non-coding transcript variant (1).
Genome position (GRCh38, 1-based): chr9:95,456,337-95,456,341, GGCAC deleted on the plus strand (GTGCC on the coding strand, the reverse complement: PTCH1 is on the minus strand); deleting any 5 consecutive bases within chr9:95,456,337-95,456,346 gives the same sequence; the c. name uses the placement nearest the transcript's 3' end. VCF-style (leftmost placement, unchanged base first): chr9-95456336-GGGCAC-G. GRCh37 (hg19) VCF-style: chr9-98218618-GGGCAC-G.
Other names: c.3043_3047del, p.Val1015fs (NM_001083602.3); c.3238_3242del, p.Val1080fs (NM_001083603.3); c.2788_2792del, p.Val930fs (NM_001083604.3, NM_001083605.3, NM_001083606.3 and 1 more transcripts); c.3085_3089del, p.Val1029fs (NM_001354918.2); short protein forms V1029fs, V1080fs, V1081fs, V930fs, V1015fs.
Identifiers: ClinVar variation 2698215 (VCV002698215.3), dbSNP rs2136648673, ClinGen allele CA2697557888.